The following is an entry in ClinVar:

NM_005222.4(DLX6):c.846A>G (p.Pro282=)

Genes: DLX6 (distal-less homeobox 6; plus strand), DLX6-AS1 (DLX6 antisense RNA 1; minus strand). Cytogenetic location: 7q21.3.
Variant type: single nucleotide variant.
Coding change: c.846A>G on transcript NM_005222.4 (MANE Select); coding-DNA position 846, A replaced by G.
Protein change: p.Pro282=; no amino-acid change (proline 282 retained).
Molecular consequence: synonymous variant.
Genome position (GRCh38, 1-based): chr7:97,010,011, A>G. VCF-style: chr7-97010011-A-G. GRCh37 (hg19) VCF-style: chr7-96639323-A-G.
Identifiers: ClinVar variation 1551228 (VCV001551228.31), dbSNP rs373065383, ClinGen allele CA4353868.
Genomic context (GRCh38, chr7:97,010,011, plus strand): 5'-GGGTGTCAGTATGCCCCCCAACAGCTACATGCCTGGCTATTCTCACTGGTACTCCTCTCC[A>G]CACCAGGACACGATGCAGAGACCACAGATGATGTGAGTTGCCCAAGGGAACACCCTAGGG-3'
Protein context (NP_005213.3, residues 272-292): MPGYSHWYSS[Pro282=]HQDTMQRPQM

ClinVar aggregate classification (germline): Likely benign. Review status: criteria provided, multiple submitters, no conflicts (2 of 4 stars). 2 submissions from 2 submitters: Likely benign (2). Last evaluated 2026-01-14.

Allele frequency attached by ClinVar (database versions not stated): 1000 Genomes Project 30x 0.00016; 1000 Genomes Project 0.00020; TOPMed 0.00085; gnomAD exomes 0.00092 and 0.00126; gnomAD 0.00103; ESP Exome Variant Server 0.00140; ExAC 0.00151.
gnomAD v4.1: 1,964 of 1,604,058 alleles (0.12%); highest among the groups gnomAD compares: Middle Eastern, 0.15%; no homozygotes.

Submissions (2):

Labcorp Genetics (formerly Invitae), Labcorp
Classification: Likely benign. Last evaluated: 2026-01-14. Review status: criteria provided, single submitter. Criteria: Invitae Variant Classification Sherloc (09022015). Collection method: clinical testing. Allele origin: germline.

CeGaT Center for Human Genetics Tuebingen
Classification: Likely benign. Last evaluated: 2023-03-01. Review status: criteria provided, single submitter. Criteria: CeGaT Center For Human Genetics Tuebingen Variant Classification Criteria Version 2. Collection method: clinical testing. Allele origin: germline. Affected: yes. Observed: 1 variant allele.
Comment: DLX6: BP4